The following is an entry in ClinVar:

ClinVar aggregate classification (germline): Uncertain significance (1 of 4 stars; one submission).

Conditions:
Medulloblastoma (MDB). Also called: Medulloblastoma, somatic; MEDULLOBLASTOMA PREDISPOSITION SYNDROME. Identifiers: Orphanet 616, MedGen C0025149, MeSH D008527, MONDO:0007959, OMIM 155255, HP:0002885.
Gorlin syndrome. Also called: Basal cell nevus syndrome; Nevoid Basal Cell Carcinoma Syndrome. Identifiers: Orphanet 377, MedGen C0004779, MONDO:0007187.

Allele frequency attached by ClinVar (database versions not stated): gnomAD exomes below 0.00001; ExAC 0.00001.
gnomAD v4.1: 2 of 1,613,982 alleles (0.00012%); highest among the groups gnomAD compares: South Asian, 0.0011%; no homozygotes.

Submission:

Labcorp Genetics (formerly Invitae), Labcorp
Classification: Uncertain significance for Gorlin syndrome; Medulloblastoma. Last evaluated: 2021-12-19. Review status: criteria provided, single submitter. Criteria: Invitae Variant Classification Sherloc (09022015). Collection method: clinical testing. Allele origin: germline.
Comment: In summary, the available evidence is currently insufficient to determine the role of this variant in disease. Therefore, it has been classified as a Variant of Uncertain Significance. Algorithms developed to predict the effect of sequence changes on RNA splicing suggest that this variant may disrupt the consensus splice site. Algorithms developed to predict the effect of missense changes on protein structure and function are either unavailable or do not agree on the potential impact of this missense change (SIFT: "Tolerated"; PolyPhen-2: "Possibly Damaging"; Align-GVGD: "Class C0"). This variant has not been reported in the literature in individuals affected with SUFU-related conditions. This variant is present in population databases (rs769755064, gnomAD 0.0009%). This sequence change replaces glutamic acid, which is acidic and polar, with lysine, which is basic and polar, at codon 253 of the SUFU protein (p.Glu253Lys).

NM_016169.4(SUFU):c.757G>A (p.Glu253Lys)

Gene: SUFU (SUFU negative regulator of hedgehog signaling; plus strand). Cytogenetic location: 10q24.32.
Variant type: single nucleotide variant.
Coding change: c.757G>A on transcript NM_016169.4 (MANE Select); coding-DNA position 757, G replaced by A.
Protein change: p.Glu253Lys; replaces glutamic acid 253 with lysine.
Molecular consequence: missense variant.
Genome position (GRCh38, 1-based): chr10:102,597,140, G>A. VCF-style: chr10-102597140-G-A. GRCh37 (hg19) VCF-style: chr10-104356897-G-A.
Other names: c.757G>A, p.Glu253Lys (NM_001178133.2); short protein forms E253K.
Identifiers: ClinVar variation 1927624 (VCV001927624.5), dbSNP rs769755064, ClinGen allele CA5667772.